The following is an entry in ClinVar:

ClinVar aggregate classification (germline): Likely pathogenic (0 of 4 stars; one submission).

Conditions:
Griscelli syndrome type 2 (GS2). Also called: GRISCELLI SYNDROME WITH HEMOPHAGOCYTIC SYNDROME; PAID SYNDROME; PARTIAL ALBINISM AND IMMUNODEFICIENCY SYNDROME. Identifiers: Orphanet 381, Orphanet 79477, MedGen C1868679, MONDO:0011872, OMIM 607624.

Submission:

Department of Pediatrics, Hirosaki University Graduate School of Medicine
Classification: Likely pathogenic for Griscelli syndrome type 2. Last evaluated: 2026-04-02. Review status: no assertion criteria provided. Collection method: clinical testing. Allele origin: germline. Inheritance: Autosomal recessive inheritance. Affected: yes.
Comment: The variant is absent or extremely rare in population databases and is consistent with a possible loss-of-function mechanism in RAB27A. These findings support a likely pathogenic classification.

NM_183235.3(RAB27A):c.345C>G (p.Ser115Arg)

Gene: RAB27A (RAB27A, member RAS oncogene family; minus strand). Cytogenetic location: 15q21.3.
Variant type: single nucleotide variant.
Coding change: c.345C>G on transcript NM_183235.3 (MANE Select); coding-DNA position 345, C replaced by G.
Protein change: p.Ser115Arg; replaces serine 115 with arginine.
Molecular consequence: missense variant.
Genome position (GRCh38, 1-based): chr15:55,224,011, G>C on the plus strand (C>G on the coding strand, the complement: RAB27A is on the minus strand). VCF-style: chr15-55224011-G-C. GRCh37 (hg19) VCF-style: chr15-55516209-G-C.
Other names: c.345C>G, p.Ser115Arg (NM_001438981.1, NM_004580.5, NM_183234.3 and 11 more transcripts); short protein forms S115R.
Identifiers: ClinVar variation 4819420 (VCV004819420.1).
Genomic context (GRCh38, chr15:55,224,011, plus strand): 5'-ACTCTTGTTTCCACACAGCACTATATCTGGGTTTTCACAATATGCATGCATCTGTAGCTG[G>C]CCTATTAATATAAGAAAGTTTATTATATATGTAAATAATAATGTAAGTGTATGATCAGTG-3'
Protein context (NP_899058.1, residues 105-125): QSFLNVRNWI[Ser115Arg]QLQMHAYCEN